The following is an entry in ClinVar:

ClinVar aggregate classification (germline): Uncertain significance (1 of 4 stars; one submission).

Conditions:
Developmental and epileptic encephalopathy 94 (DEE94). Also called: Epileptic encephalopathy, childhood-onset; CHD2-Related Neurodevelopmental Disorders. Identifiers: Orphanet 1942, Orphanet 2382, MedGen C3809278, MONDO:0014150, OMIM 615369.

Submission:

Labcorp Genetics (formerly Invitae), Labcorp
Classification: Uncertain significance for Developmental and epileptic encephalopathy 94. Last evaluated: 2022-08-28. Review status: criteria provided, single submitter. Criteria: Invitae Variant Classification Sherloc (09022015). Collection method: clinical testing. Allele origin: germline.
Comment: This sequence change falls in intron 21 of the CHD2 gene. It does not directly change the encoded amino acid sequence of the CHD2 protein. It affects a nucleotide within the consensus splice site. This variant has not been reported in the literature in individuals affected with CHD2-related conditions. This variant is not present in population databases (gnomAD no frequency). In summary, the available evidence is currently insufficient to determine the role of this variant in disease. Therefore, it has been classified as a Variant of Uncertain Significance. Variants that disrupt the consensus splice site are a relatively common cause of aberrant splicing (PMID: 17576681, 9536098). Algorithms developed to predict the effect of sequence changes on RNA splicing suggest that this variant may disrupt the consensus splice site.

Literature cited by the submitters: PubMed 17576681; PubMed 9536098.

NM_001271.4(CHD2):c.2727+5G>T

Gene: CHD2 (chromodomain helicase DNA binding protein 2; plus strand). Cytogenetic location: 15q26.1.
Variant type: single nucleotide variant.
Coding change: c.2727+5G>T on transcript NM_001271.4 (MANE Select); 5 bases into the intron after coding-DNA position 2727, G replaced by T.
Molecular consequence: intron variant.
Genome position (GRCh38, 1-based): chr15:92,978,388, G>T. VCF-style: chr15-92978388-G-T. GRCh37 (hg19) VCF-style: chr15-93521618-G-T.
Identifiers: ClinVar variation 2027614 (VCV002027614.4), dbSNP rs2505543367, ClinGen allele CA2580090342.